The following is an entry in ClinVar:

ClinVar aggregate classification (germline): Likely benign (1 of 4 stars; one submission).

Submission:

CeGaT Center for Human Genetics Tuebingen
Classification: Likely benign. Last evaluated: 2026-01-01. Review status: criteria provided, single submitter. Criteria: CeGaT Center For Human Genetics Tuebingen Variant Classification Criteria Version 2. Collection method: clinical testing. Allele origin: germline. Affected: yes. Observed: 1 variant allele.
Comment: CSNK1G1: BS2

NM_022048.5(CSNK1G1):c.1108-8012G>A

Gene: CSNK1G1 (casein kinase 1 gamma 1; minus strand). Cytogenetic location: 15q22.31.
Variant type: single nucleotide variant.
Coding change: c.1108-8012G>A on transcript NM_022048.5 (MANE Select); 8012 bases into the intron before coding-DNA position 1108, G replaced by A.
Molecular consequence: intron variant. On other transcripts: missense variant (1).
Genome position (GRCh38, 1-based): chr15:64,188,466, C>T on the plus strand (G>A on the coding strand, the complement: CSNK1G1 is on the minus strand). VCF-style: chr15-64188466-C-T. GRCh37 (hg19) VCF-style: chr15-64480665-C-T.
Other names: c.1127G>A, p.Arg376Gln (NM_001329605.2); c.1108-8012G>A (NM_001329606.2, NM_001329607.2); short protein forms R376Q.
Identifiers: ClinVar variation 4822194 (VCV004822194.4).